The following is an entry in ClinVar:

ClinVar aggregate classification (germline): Uncertain significance (1 of 4 stars; one submission).

gnomAD v4.1: 1 of 1,602,104 alleles (0.000062%); highest among the groups gnomAD compares: Non-Finnish European, 0.000085%; no homozygotes.

Submission:

Ambry Genetics
Classification: Uncertain significance. Last evaluated: 2024-11-22. Review status: criteria provided, single submitter. Criteria: Ambry Variant Classification Scheme 2023. Collection method: clinical testing. Allele origin: germline.
Comment: The p.A475T variant (also known as c.1423G>A), located in coding exon 6 of the WNK2 gene, results from a G to A substitution at nucleotide position 1423. The alanine at codon 475 is replaced by threonine, an amino acid with similar properties. This amino acid position is conserved. In addition, this alteration is predicted to be tolerated by in silico analysis. Based on the available evidence, the clinical significance of this variant remains unclear.

NM_006648.4(WNK2):c.1423G>A (p.Ala475Thr)

Gene: WNK2 (WNK lysine deficient protein kinase 2; plus strand). Cytogenetic location: 9q22.31.
Variant type: single nucleotide variant.
Coding change: c.1423G>A on transcript NM_006648.4 (MANE Select); coding-DNA position 1423, G replaced by A.
Protein change: p.Ala475Thr; replaces alanine 475 with threonine.
Molecular consequence: missense variant.
Genome position (GRCh38, 1-based): chr9:93,239,857, G>A. VCF-style: chr9-93239857-G-A. GRCh37 (hg19) VCF-style: chr9-96002139-G-A.
Other names: c.1423G>A, p.Ala475Thr (NM_001282394.3); short protein forms A475T.
Identifiers: ClinVar variation 3470317 (VCV003470317.1).
Genomic context (GRCh38, chr9:93,239,857, plus strand): 5'-GAGGACACAGGCGTGAGGGTGGAGCTCGCGGAGGAGGACCACGGCAGGAAGTCCACCATC[G>A]CCCTGAGGCTCTGGGTGGAAGACCCCAAGAAACTGAAGGGAAAGCCCAAGGACAATGGAG-3'
Protein context (NP_006639.3, residues 465-485): EEDHGRKSTI[Ala475Thr]LRLWVEDPKK